The following is an entry in ClinVar:

ClinVar aggregate classification (germline): Uncertain significance (1 of 4 stars; one submission).

gnomAD v4.1: 3 of 1,613,944 alleles (0.00019%); highest among the groups gnomAD compares: African/African-American, 0.0013%; no homozygotes.

Submission:

Labcorp Genetics (formerly Invitae), Labcorp
Classification: Uncertain significance. Last evaluated: 2025-07-29. Review status: criteria provided, single submitter. Criteria: Invitae Variant Classification Sherloc (09022015). Collection method: clinical testing. Allele origin: germline.
Comment: This sequence change replaces histidine, which is basic and polar, with tyrosine, which is neutral and polar, at codon 381 of the DDX58 protein (p.His381Tyr). This variant is not present in population databases (gnomAD no frequency). This variant has not been reported in the literature in individuals affected with DDX58-related conditions. ClinVar contains an entry for this variant (Variation ID: 3615182). Invitae Evidence Modeling of protein sequence and biophysical properties (such as structural, functional, and spatial information, amino acid conservation, physicochemical variation, residue mobility, and thermodynamic stability) indicates that this missense variant is expected to disrupt DDX58 protein function with a positive predictive value of 80%. In summary, the available evidence is currently insufficient to determine the role of this variant in disease. Therefore, it has been classified as a Variant of Uncertain Significance.

NM_014314.4(RIGI):c.1141C>T (p.His381Tyr)

Gene: RIGI (RNA sensor RIG-I; minus strand). Cytogenetic location: 9p21.1.
Variant type: single nucleotide variant.
Coding change: c.1141C>T on transcript NM_014314.4 (MANE Select); coding-DNA position 1141, C replaced by T.
Protein change: p.His381Tyr; replaces histidine 381 with tyrosine.
Molecular consequence: missense variant.
Genome position (GRCh38, 1-based): chr9:32,488,016, G>A on the plus strand (C>T on the coding strand, the complement: RIGI is on the minus strand). VCF-style: chr9-32488016-G-A. GRCh37 (hg19) VCF-style: chr9-32488014-G-A.
Other names: c.1135C>T, p.His379Tyr (NM_001385907.1); c.1141C>T, p.His381Tyr (NM_001385909.1); c.700C>T, p.His234Tyr (NM_001385910.1); c.532C>T, p.His178Tyr (NM_001385912.1); c.1126C>T, p.His376Tyr (NM_001385913.1); c.697C>T, p.His233Tyr (NM_001385914.1); short protein forms H178Y, H233Y, H234Y, H376Y, H379Y, H381Y.
Identifiers: ClinVar variation 3615182 (VCV003615182.2).